The following is an entry in ClinVar:

ClinVar aggregate classification (germline): Uncertain significance. Review status: criteria provided, single submitter (1 of 4 stars). 2 submissions from 2 submitters: Uncertain significance (1). 1 of the submissions does not count toward it. Last evaluated 2022-06-20.

Conditions:
Walker-Warburg congenital muscular dystrophy. Also called: Muscular dystrophy-dystroglycanopathy, type A; Walker-Warburg syndrome. Identifiers: Orphanet 899, MedGen C0265221, MONDO:0000171.
Autosomal recessive limb-girdle muscular dystrophy type 2I. Also called: MUSCULAR DYSTROPHY-DYSTROGLYCANOPATHY (LIMB-GIRDLE), TYPE C, 5; MUSCULAR DYSTROPHY-DYSTROGLYCANOPATHY, LIMB-GIRDLE, FRKP-RELATED; MUSCULAR DYSTROPHY, LIMB-GIRDLE, TYPE 2I. Identifiers: Orphanet 34515, MedGen C1846672, MONDO:0011787, OMIM 607155.

Submissions (2):

Labcorp Genetics (formerly Invitae), Labcorp
Classification: Uncertain significance for Walker-Warburg congenital muscular dystrophy. Last evaluated: 2022-06-20. Review status: criteria provided, single submitter. Criteria: Invitae Variant Classification Sherloc (09022015). Collection method: clinical testing. Allele origin: germline.
Comment: This variant, c.242_244del, results in the deletion of 1 amino acid(s) of the FKRP protein (p.Val81del), but otherwise preserves the integrity of the reading frame. This variant is not present in population databases (gnomAD no frequency). This variant has been observed in individual(s) with congenital muscular dystrophy (PMID: 31127727). Experimental studies and prediction algorithms are not available or were not evaluated, and the functional significance of this variant is currently unknown. In summary, the available evidence is currently insufficient to determine the role of this variant in disease. Therefore, it has been classified as a Variant of Uncertain Significance.

Natera, Inc.
Classification: Uncertain significance for Limb-girdle muscular dystrophy type 2I. Last evaluated: 2020-07-31. Review status: no assertion criteria provided. Collection method: clinical testing. Allele origin: germline. Not counted in ClinVar's aggregate classification.

Literature cited by the submitters: PubMed 31127727 (cited by Labcorp Genetics (formerly Invitae), Labcorp).

NM_024301.5(FKRP):c.236TGG[2] (p.Val81del)

Gene: FKRP (fukutin related protein; plus strand). Cytogenetic location: 19q13.32.
Variant type: Microsatellite.
Coding change: c.236TGG[2] on transcript NM_024301.5 (MANE Select); two copies in a row of the 3-base unit TGG starting at c.236; the reference has three copies in a row; one copy, 3 bases deleted; also written c.242_244del.
Protein change: p.Val81del; deletes valine 81.
Molecular consequence: inframe deletion.
Genome position (GRCh38, 1-based): chr19:46,755,692-46,755,694, TGG deleted; deleting any 3 consecutive bases within chr19:46,755,685-46,755,694 gives the same sequence; the position shown is the placement nearest the transcript's 3' end. VCF-style (leftmost placement, unchanged base first): chr19-46755684-CGTG-C. GRCh37 (hg19) VCF-style: chr19-47258941-CGTG-C.
Other names: c.236TGG[2], p.Val81del (NM_001039885.3); c.242_244del (NM_024301.5); short protein forms V81del.
Identifiers: ClinVar variation 1047789 (VCV001047789.7), dbSNP rs2054894857, ClinGen allele CA2339067154.